The following is an entry in ClinVar:

NM_033641.4(COL4A6):c.149G>A (p.Arg50Gln)

Gene: COL4A6 (collagen type IV alpha 6 chain; minus strand). Cytogenetic location: Xq22.3.
Variant type: single nucleotide variant.
Coding change: c.149G>A on transcript NM_033641.4 (MANE Select); coding-DNA position 149, G replaced by A.
Protein change: p.Arg50Gln; replaces arginine 50 with glutamine.
Molecular consequence: missense variant.
Genome position (GRCh38, 1-based): chrX:108,221,370, C>T on the plus strand (G>A on the coding strand, the complement: COL4A6 is on the minus strand). VCF-style: chrX-108221370-C-T. GRCh37 (hg19) VCF-style: chrX-107464600-C-T.
Other names: c.152G>A (NM_001847.2); c.149G>A, p.Arg50Gln (NM_001287758.2, NM_001287759.2, NM_001287760.2); c.152G>A, p.Arg51Gln (NM_001847.4); short protein forms R51Q, R50Q.
Identifiers: ClinVar variation 1902096 (VCV001902096.7), dbSNP rs910395079, ClinGen allele CA334038472.
Genomic context (GRCh38, chrX:108,221,370, plus strand): 5'-CCAGTAGAGCCAGTGAATCCTTGAGGACCTGTTGGGCCTTGAATTCCAATTGGTCCAGGT[C>T]GTCCCTAAGGTGGACAGAAGGAGTGCAATTAGTCAATAGAGGACTTAGCATTAATACTTC-3'
Protein context (NP_378667.1, residues 40-60): QCFPEKGARG[Arg50Gln]PGPIGIQGPT

ClinVar aggregate classification (germline): Uncertain significance. Review status: criteria provided, multiple submitters, no conflicts (2 of 4 stars). 2 submissions from 2 submitters: Uncertain significance (2). Last evaluated 2025-03-27.

Allele frequency attached by ClinVar (database versions not stated): gnomAD 0.00002.
gnomAD v4.1: 12 of 1,209,030 alleles (0.00099%); highest among the groups gnomAD compares: East Asian, 0.003%; no homozygotes.

Submissions (2):

Labcorp Genetics (formerly Invitae), Labcorp
Classification: Uncertain significance. Last evaluated: 2025-03-27. Review status: criteria provided, single submitter. Criteria: Invitae Variant Classification Sherloc (09022015). Collection method: clinical testing. Allele origin: germline.
Comment: This sequence change replaces arginine, which is basic and polar, with glutamine, which is neutral and polar, at codon 51 of the COL4A6 protein (p.Arg51Gln). This variant is present in population databases (no rsID available, gnomAD 0.007%). This variant has not been reported in the literature in individuals affected with COL4A6-related conditions. ClinVar contains an entry for this variant (Variation ID: 1902096). Invitae Evidence Modeling of protein sequence and biophysical properties (such as structural, functional, and spatial information, amino acid conservation, physicochemical variation, residue mobility, and thermodynamic stability) indicates that this missense variant is not expected to disrupt COL4A6 protein function with a negative predictive value of 80%. In summary, the available evidence is currently insufficient to determine the role of this variant in disease. Therefore, it has been classified as a Variant of Uncertain Significance.

Ambry Genetics
Classification: Uncertain significance. Last evaluated: 2023-06-12. Review status: criteria provided, single submitter. Criteria: Ambry Variant Classification Scheme 2023. Collection method: clinical testing. Allele origin: germline.